The following is an entry in ClinVar:

NM_212482.4(FN1):c.7070G>A (p.Arg2357His)

Genes: ATIC (5-aminoimidazole-4-carboxamide ribonucleotide formyltransferase/IMP cyclohydrolase; plus strand), FN1 (fibronectin 1; minus strand). Cytogenetic location: 2q35.
Variant type: single nucleotide variant.
Coding change: c.7070G>A on transcript NM_212482.4 (MANE Select); coding-DNA position 7070, G replaced by A.
Protein change: p.Arg2357His; replaces arginine 2357 with histidine.
Molecular consequence: missense variant.
Genome position (GRCh38, 1-based): chr2:215,365,579, C>T on the plus strand (G>A on the coding strand, the complement: FN1 is on the minus strand). VCF-style: chr2-215365579-C-T. GRCh37 (hg19) VCF-style: chr2-216230302-C-T.
Other names: c.7070G>A (NM_212482.1); c.6977G>A, p.Arg2326His (NM_001306129.2); c.6440G>A, p.Arg2147His (NM_001306130.2); c.6434G>A, p.Arg2145His (NM_001306131.2); c.6359G>A, p.Arg2120His (NM_001306132.2); c.6800G>A, p.Arg2267His (NM_001365517.2); c.6797G>A, p.Arg2266His (NM_001365518.2); c.6725G>A, p.Arg2242His (NM_001365519.2); and 9 more; short protein forms R2120H, R2176H, R2235H, R2241H, R2326H, R2056H, R2151H, R2145H.
Identifiers: ClinVar variation 1482572 (VCV001482572.9), dbSNP rs557049566, ClinGen allele CA2093662.
Genomic context (GRCh38, chr2:215,365,579, plus strand): 5'-AATTCTCCTTTTCCGTTCCCAAGACATGTGCAGCTCATCATCTGGCCATTTTCTCCCTGA[C>T]GGTCCCACTTCTCTCCAATCTTGTAGTTCACACCATTGTCATGGCACCATCCTGTAGGGG-3'
Protein context (NP_997647.2, residues 2347-2367): VNYKIGEKWD[Arg2357His]QGENGQMMSC

ClinVar aggregate classification (germline): Conflicting classifications of pathogenicity. Review status: criteria provided, conflicting classifications (1 of 4 stars). 3 submissions from 3 submitters: Uncertain significance (2); Likely benign (1). Last evaluated 2025-04-28.

Conditions:
Inborn genetic diseases. Identifiers: MedGen C0950123, MeSH D030342.
Spondylometaphyseal dysplasia - Sutcliffe type. Also called: Spondylometaphyseal dysplasia, 'corner fracture' type; Spondylometaphyseal Dysplasia, Corner Fracture Type; Sutcliffe type of spondylometaphyseal dysplasia; Sutcliffe SMD. Identifiers: Orphanet 93315, MedGen C0432221, MONDO:0008479, OMIM 184255.
Glomerulopathy with fibronectin deposits 2 (GFND2). Identifiers: Orphanet 84090, MedGen C1866075, MONDO:0011165, OMIM 601894.

Allele frequency attached by ClinVar (database versions not stated): gnomAD 0.00001; gnomAD exomes 0.00002; ExAC 0.00003; 1000 Genomes Project 30x 0.00016; 1000 Genomes Project 0.00020.
gnomAD v4.1: 29 of 1,613,984 alleles (0.0018%); highest among the groups gnomAD compares: East Asian, 0.0067%; no homozygotes.

Submissions (3):

Ambry Genetics
Classification: Likely benign for Inborn genetic diseases. Last evaluated: 2025-04-28. Review status: criteria provided, single submitter. Criteria: Ambry Variant Classification Scheme 2023. Collection method: clinical testing. Allele origin: germline.

Labcorp Genetics (formerly Invitae), Labcorp
Classification: Uncertain significance. Last evaluated: 2024-06-02. Review status: criteria provided, single submitter. Criteria: Invitae Variant Classification Sherloc (09022015). Collection method: clinical testing. Allele origin: germline.
Comment: This sequence change replaces arginine, which is basic and polar, with histidine, which is basic and polar, at codon 2357 of the FN1 protein (p.Arg2357His). This variant is present in population databases (rs557049566, gnomAD 0.007%). This variant has not been reported in the literature in individuals affected with FN1-related conditions. ClinVar contains an entry for this variant (Variation ID: 1482572). An algorithm developed to predict the effect of missense changes on protein structure and function (PolyPhen-2) suggests that this variant is likely to be disruptive. In summary, the available evidence is currently insufficient to determine the role of this variant in disease. Therefore, it has been classified as a Variant of Uncertain Significance.

Fulgent Genetics
Classification: Uncertain significance for Spondylometaphyseal dysplasia - Sutcliffe type; Glomerulopathy with fibronectin deposits 2. Last evaluated: 2024-03-28. Review status: criteria provided, single submitter. Criteria: ACMG Guidelines, 2015. Collection method: clinical testing. Allele origin: germline.